The following is an entry in ClinVar:

NM_007078.3(LDB3):c.1907G>A (p.Cys636Tyr)

Gene: LDB3 (LIM domain binding 3; plus strand). Cytogenetic location: 10q23.2.
Variant type: single nucleotide variant.
Coding change: c.1907G>A on transcript NM_007078.3 (MANE Select); coding-DNA position 1907, G replaced by A.
Protein change: p.Cys636Tyr; replaces cysteine 636 with tyrosine.
Molecular consequence: missense variant.
Genome position (GRCh38, 1-based): chr10:86,718,776, G>A. VCF-style: chr10-86718776-G-A. GRCh37 (hg19) VCF-style: chr10-88478533-G-A.
Other names: c.1577G>A, p.Cys526Tyr (NM_001080114.2); c.1922G>A, p.Cys641Tyr (NM_001171610.2); c.1718G>A, p.Cys573Tyr (NM_001368064.1, NM_001368065.1); c.1766G>A, p.Cys589Tyr (NM_001368066.1); short protein forms C636Y, C641Y, C573Y, C526Y, C589Y.
Identifiers: ClinVar variation 45535 (VCV000045535.13), dbSNP rs397517218, ClinGen allele CA136565.

ClinVar aggregate classification (germline): Uncertain significance. Review status: criteria provided, multiple submitters, no conflicts (2 of 4 stars). 3 submissions from 3 submitters: Uncertain significance (3). Last evaluated 2019-11-08.

Conditions:
Myofibrillar myopathy 4. Also called: Zaspopathy (type). Identifiers: Orphanet 98912, MedGen C4721886, MONDO:0012277, OMIM 609452.

gnomAD v4.1: 2 of 1,614,174 alleles (0.00012%); highest among the groups gnomAD compares: Non-Finnish European, 0.00017%; no homozygotes.

Submissions (3):

Blueprint Genetics
Classification: Uncertain significance. Last evaluated: 2019-11-08. Review status: criteria provided, single submitter. Criteria: ACMG Guidelines, 2015. Collection method: clinical testing. Allele origin: germline.

Labcorp Genetics (formerly Invitae), Labcorp
Classification: Uncertain significance for Myofibrillar myopathy 4. Last evaluated: 2018-10-26. Review status: criteria provided, single submitter. Criteria: Invitae Variant Classification Sherloc (09022015). Collection method: clinical testing. Allele origin: germline.
Comment: This sequence change replaces cysteine with tyrosine at codon 636 of the LDB3 protein (p.Cys636Tyr). The cysteine residue is highly conserved and there is a large physicochemical difference between cysteine and tyrosine. The LDB3 gene has multiple clinically relevant transcripts. The p.Cys636Tyr variant occurs in alternate transcript NM_007078.2, which corresponds to position c.*19402G>A in NM_001080116.1, the primary transcript listed in the Methods. This variant is not present in population databases (ExAC no frequency). In summary, the available evidence is currently insufficient to determine the role of this variant in disease. Therefore, it has been classified as a Variant of Uncertain Significance. Algorithms developed to predict the effect of missense changes on protein structure and function are either unavailable or do not agree on the potential impact of this missense change (SIFT: "Deleterious"; PolyPhen-2: "Not Available"; Align-GVGD: "Class C65"). This variant has been observed in an individual affected with dilated cardiomyopathy (PMID: 27532257). ClinVar contains an entry for this variant (Variation ID: 45535).

Laboratory for Molecular Medicine, Mass General Brigham Personalized Medicine
Classification: Uncertain significance. Last evaluated: 2013-02-27. Review status: criteria provided, single submitter. Criteria: LMM Criteria. Collection method: clinical testing. Allele origin: germline. Observed: 2 variant alleles.
Comment: Variant classified as Uncertain Significance - Favor Pathogenic. This variant has also not been iden tified in large European American and African American populations by the NHLBI Exome Sequencing Project, which increases the likelihood that it is pathogenic. However, we cannot exclude that it may be com mon in other populations. Computational analyses (biochemical amino acid propert ies, conservation, AlignGVGD, PolyPhen2, and SIFT) suggest that the Cys636Tyr va riant may impact the protein, though this information is not predictive enough t o determine pathogenicity. This data supports that the Cys636Tyr variant may be pathogenic but additional studies are needed to fully assess its clinical signif icance.

Literature cited by the submitters: PubMed 27532257 (cited by Labcorp Genetics (formerly Invitae), Labcorp).